The following is an entry in ClinVar:

ClinVar aggregate classification (germline): Uncertain significance (1 of 4 stars; one submission).

gnomAD v4.1: 1 of 1,613,740 alleles (0.000062%); no homozygotes.

Submission:

Ambry Genetics
Classification: Uncertain significance. Last evaluated: 2023-12-31. Review status: criteria provided, single submitter. Criteria: Ambry Variant Classification Scheme 2023. Collection method: clinical testing. Allele origin: germline.
Comment: The p.V304L variant (also known as c.910G>C), located in coding exon 4 of the GALNT12 gene, results from a G to C substitution at nucleotide position 910. The valine at codon 304 is replaced by leucine, an amino acid with highly similar properties. This amino acid position is conserved. In addition, the in silico prediction for this alteration is inconclusive. Since supporting evidence is limited at this time, the clinical significance of this alteration remains unclear.

NM_024642.5(GALNT12):c.910G>C (p.Val304Leu)

Gene: GALNT12 (polypeptide N-acetylgalactosaminyltransferase 12; plus strand). Cytogenetic location: 9q22.33.
Variant type: single nucleotide variant.
Coding change: c.910G>C on transcript NM_024642.5 (MANE Select); coding-DNA position 910, G replaced by C.
Protein change: p.Val304Leu; replaces valine 304 with leucine.
Molecular consequence: missense variant.
Genome position (GRCh38, 1-based): chr9:98,831,950, G>C. VCF-style: chr9-98831950-G-C. GRCh37 (hg19) VCF-style: chr9-101594232-G-C.
Other names: short protein forms V304L.
Identifiers: ClinVar variation 3227969 (VCV003227969.1), dbSNP rs2490518722, ClinGen allele CA374218416.
Genomic context (GRCh38, chr9:98,831,950, plus strand): 5'-GTGTTCACGTGGCACACAGTTCCTGAGAGGGAGAGGATACGGATGCAATCCCCCGTCGAT[G>C]TCATCAGGTCAGGAGCTGACTTCTGGGTGACTTGTTTTTTAAGCATGCCTCATTGAATCT-3'
Protein context (NP_078918.3, residues 294-314): ERIRMQSPVD[Val304Leu]IRSPTMAGGL